The following is an entry in ClinVar:

ClinVar aggregate classification (germline): Benign/Likely benign. Review status: criteria provided, multiple submitters, no conflicts (2 of 4 stars). 4 submissions from 4 submitters: Benign (1); Likely benign (3). Last evaluated 2026-01-28.

Conditions:
Bartter disease type 1. Also called: HYPERPROSTAGLANDIN E SYNDROME 1; Bartter Syndrome type 1; Bartter syndrome, type 1, antenatal; HYPOKALEMIC ALKALOSIS WITH HYPERCALCIURIA 1, ANTENATAL. Identifiers: Orphanet 112, Orphanet 620217, MedGen C1866495, MONDO:0100344, OMIM 601678, MONDO:0011127.

Allele frequency attached by ClinVar (database versions not stated): gnomAD exomes 0.00012 and 0.00041; ExAC 0.00051; gnomAD 0.00130 and 0.00136; TOPMed 0.00157; 1000 Genomes Project 30x 0.00172; 1000 Genomes Project 0.00180; ESP Exome Variant Server 0.00223.
gnomAD v4.1: 378 of 1,613,986 alleles (0.023%); highest among the groups gnomAD compares: African/African-American, 0.48%; 1 homozygote.

Submissions (4):

Labcorp Genetics (formerly Invitae), Labcorp
Classification: Benign. Last evaluated: 2026-01-28. Review status: criteria provided, single submitter. Criteria: Invitae Variant Classification Sherloc (09022015). Collection method: clinical testing. Allele origin: germline.

CeGaT Center for Human Genetics Tuebingen
Classification: Likely benign. Last evaluated: 2022-06-01. Review status: criteria provided, single submitter. Criteria: CeGaT Center For Human Genetics Tuebingen Variant Classification Criteria Version 2. Collection method: clinical testing. Allele origin: germline. Affected: yes. Observed: 1 variant allele.
Comment: SLC12A1: BP4, BP7

Fulgent Genetics
Classification: Likely benign for Bartter disease type 1. Last evaluated: 2021-08-13. Review status: criteria provided, single submitter. Criteria: ACMG Guidelines, 2015. Collection method: clinical testing. Allele origin: unknown.

Athena Diagnostics
Classification: Likely benign. Last evaluated: 2018-09-28. Review status: criteria provided, single submitter. Criteria: Athena Diagnostics Criteria. Collection method: clinical testing. Allele origin: germline.

NM_000338.3(SLC12A1):c.189G>A (p.Arg63=)

Gene: SLC12A1 (solute carrier family 12 member 1; plus strand). Cytogenetic location: 15q21.1.
Variant type: single nucleotide variant.
Coding change: c.189G>A on transcript NM_000338.3 (MANE Select); coding-DNA position 189, G replaced by A.
Protein change: p.Arg63=; no amino-acid change (arginine 63 retained).
Molecular consequence: synonymous variant.
Genome position (GRCh38, 1-based): chr15:48,207,908, G>A. VCF-style: chr15-48207908-G-A. GRCh37 (hg19) VCF-style: chr15-48500105-G-A.
Other names: c.189G>A, p.Arg63= (NM_001184832.2).
Identifiers: ClinVar variation 778550 (VCV000778550.33), dbSNP rs35240149, ClinGen allele CA7546702.